The following is an entry in ClinVar:

ClinVar aggregate classification (germline): Uncertain significance (1 of 4 stars; one submission).

Conditions:
Epileptic encephalopathy. Identifiers: MedGen C0543888, HP:0200134.

Allele frequency attached by ClinVar (database versions not stated): gnomAD exomes 0.00001.
gnomAD v4.1: 17 of 1,613,870 alleles (0.0011%); highest among the groups gnomAD compares: Non-Finnish European, 0.0014%; no homozygotes.

Submission:

Labcorp Genetics (formerly Invitae), Labcorp
Classification: Uncertain significance for Epileptic encephalopathy. Last evaluated: 2023-10-03. Review status: criteria provided, single submitter. Criteria: Invitae Variant Classification Sherloc (09022015). Collection method: clinical testing. Allele origin: germline.
Comment: This sequence change replaces glutamic acid, which is acidic and polar, with lysine, which is basic and polar, at codon 821 of the GABBR2 protein (p.Glu821Lys). This variant is present in population databases (no rsID available, gnomAD 0.0009%). This variant has not been reported in the literature in individuals affected with GABBR2-related conditions. Advanced modeling of protein sequence and biophysical properties (such as structural, functional, and spatial information, amino acid conservation, physicochemical variation, residue mobility, and thermodynamic stability) performed at Invitae indicates that this missense variant is not expected to disrupt GABBR2 protein function. In summary, the available evidence is currently insufficient to determine the role of this variant in disease. Therefore, it has been classified as a Variant of Uncertain Significance.

NM_005458.8(GABBR2):c.2461G>A (p.Glu821Lys)

Gene: GABBR2 (gamma-aminobutyric acid type B receptor subunit 2; minus strand). Cytogenetic location: 9q22.33.
Variant type: single nucleotide variant.
Coding change: c.2461G>A on transcript NM_005458.8 (MANE Select); coding-DNA position 2461, G replaced by A.
Protein change: p.Glu821Lys; replaces glutamic acid 821 with lysine.
Molecular consequence: missense variant.
Genome position (GRCh38, 1-based): chr9:98,299,305, C>T on the plus strand (G>A on the coding strand, the complement: GABBR2 is on the minus strand). VCF-style: chr9-98299305-C-T. GRCh37 (hg19) VCF-style: chr9-101061587-C-T.
Other names: short protein forms E821K.
Identifiers: ClinVar variation 2886554 (VCV002886554.3), dbSNP rs1296444996, ClinGen allele CA374193703.